The following is an entry in ClinVar:

NM_000535.7(PMS2):c.869del (p.Phe290fs)

Gene: PMS2 (PMS1 homolog 2, mismatch repair system component; minus strand). Cytogenetic location: 7p22.1.
Variant type: Deletion.
Coding change: c.869del on transcript NM_000535.7 (MANE Select); coding-DNA position 869, one base deleted (T; older notation c.869delT).
Protein change: p.Phe290fs; shifts the reading frame from phenylalanine 290.
Molecular consequence: frameshift variant. On other transcripts: 5 prime UTR variant (2), non-coding transcript variant (1).
Genome position (GRCh38, 1-based): chr7:5,995,568, A deleted on the plus strand (T on the coding strand, the reverse complement: PMS2 is on the minus strand); the first of 5 consecutive A bases (chr7:5,995,568-5,995,572); deleting any one gives the same sequence. VCF-style (leftmost placement, unchanged base first): chr7-5995567-GA-G. GRCh37 (hg19) VCF-style: chr7-6035198-GA-G.
Other names: c.464del, p.Phe155fs (NM_001322003.2, NM_001322004.2, NM_001322005.2 and 2 more transcripts); c.869del, p.Phe290fs (NM_001322006.2, NM_001322014.2); c.551del, p.Phe184fs (NM_001322007.2, NM_001322008.2); c.-65del (NM_001322011.2, NM_001322012.2); c.296del, p.Phe99fs (NM_001322013.2); c.560del, p.Phe187fs (NM_001322015.2); short protein forms F155fs, F187fs, F290fs, F99fs, F184fs.
Identifiers: ClinVar variation 1411804 (VCV001411804.10), dbSNP rs2128775109, ClinGen allele CA2573141993.

ClinVar aggregate classification (germline): Pathogenic. Review status: criteria provided, multiple submitters, no conflicts (2 of 4 stars). 4 submissions from 4 submitters: Pathogenic (4). Last evaluated 2024-03-18.

Conditions:
Hereditary nonpolyposis colorectal neoplasms. Identifiers: MedGen C0009405, MeSH D003123.
Lynch syndrome 4 (LYNCH4). Also called: Colorectal cancer, hereditary nonpolyposis, type 4; Hereditary non-polyposis colorectal cancer, type 4. Identifiers: Orphanet 144, MedGen C1838333, MONDO:0013699, OMIM 614337. Disease mechanism: loss of function.
Hereditary cancer-predisposing syndrome. Also called: Hereditary Cancer Syndrome; Tumor predisposition; Hereditary neoplastic syndrome; Neoplastic Syndromes, Hereditary. Identifiers: Orphanet 140162, MedGen C0027672, MeSH D009386, MONDO:0015356.

Submissions (4):

Color Diagnostics, LLC DBA Color Health
Classification: Pathogenic for Hereditary cancer-predisposing syndrome. Last evaluated: 2024-03-18. Review status: criteria provided, single submitter. Criteria: ACMG Guidelines, 2015. Collection method: clinical testing. Allele origin: germline.
Comment: This variant deletes 1 nucleotide in exon 8 of the PMS2 gene, creating a frameshift and premature translation stop signal. This variant is expected to result in an absent or non-functional protein product. To our knowledge, this variant has not been reported in individuals affected with PMS2-related disorders in the literature. This variant has not been identified in the general population by the Genome Aggregation Database (gnomAD). Loss of PMS2 function is a known mechanism of disease. Based on the available evidence, this variant is classified as Pathogenic.

Myriad Genetics, Inc.
Classification: Pathogenic for Lynch syndrome 4. Last evaluated: 2023-09-19. Review status: criteria provided, single submitter. Criteria: Myriad Autosomal Dominant, Autosomal Recessive and X-Linked Classification Criteria (2023). Collection method: clinical testing. Allele origin: unknown.
Comment: This variant is considered pathogenic. This variant creates a frameshift predicted to result in premature protein truncation.

Labcorp Genetics (formerly Invitae), Labcorp
Classification: Pathogenic for Hereditary nonpolyposis colorectal neoplasms. Last evaluated: 2023-02-06. Review status: criteria provided, single submitter. Criteria: Invitae Variant Classification Sherloc (09022015). Collection method: clinical testing. Allele origin: germline.
Comment: For these reasons, this variant has been classified as Pathogenic. ClinVar contains an entry for this variant (Variation ID: 1411804). This variant has not been reported in the literature in individuals affected with PMS2-related conditions. This variant is not present in population databases (gnomAD no frequency). This sequence change creates a premature translational stop signal (p.Phe290Serfs*17) in the PMS2 gene. It is expected to result in an absent or disrupted protein product. Loss-of-function variants in PMS2 are known to be pathogenic (PMID: 21376568, 24362816).

Ambry Genetics
Classification: Pathogenic for Hereditary cancer-predisposing syndrome. Last evaluated: 2022-01-11. Review status: criteria provided, single submitter. Criteria: Ambry Variant Classification Scheme 2023. Collection method: clinical testing. Allele origin: germline.
Comment: The c.869delT pathogenic mutation, located in coding exon 8 of the PMS2 gene, results from a deletion of one nucleotide at nucleotide position 869, causing a translational frameshift with a predicted alternate stop codon (p.F290Sfs*17). This alteration is expected to result in loss of function by premature protein truncation or nonsense-mediated mRNA decay. As such, this alteration is interpreted as a disease-causing mutation.

Literature cited by the submitters: PubMed 21376568 (cited by Labcorp Genetics (formerly Invitae), Labcorp); PubMed 24362816 (cited by Labcorp Genetics (formerly Invitae), Labcorp).